The following is an entry in ClinVar:

NM_001987.5(ETV6):c.697T>C (p.Tyr233His)

Gene: ETV6 (ETS variant transcription factor 6; plus strand). Cytogenetic location: 12p13.2.
Variant type: single nucleotide variant.
Coding change: c.697T>C on transcript NM_001987.5 (MANE Select); coding-DNA position 697, T replaced by C.
Protein change: p.Tyr233His; replaces tyrosine 233 with histidine.
Molecular consequence: missense variant.
Genome position (GRCh38, 1-based): chr12:11,869,657, T>C. VCF-style: chr12-11869657-T-C. GRCh37 (hg19) VCF-style: chr12-12022591-T-C.
Other names: c.694T>C, p.Tyr232His (NM_001413913.1); c.670T>C, p.Tyr224His (NM_001413914.1); c.433T>C, p.Tyr145His (NM_001413915.1); c.697T>C, p.Tyr233His (NM_001413916.1, NM_001413917.1); short protein forms Y145H, Y224H, Y232H, Y233H.
Identifiers: ClinVar variation 4251498 (VCV004251498.2).

ClinVar aggregate classification (germline): Uncertain significance (1 of 4 stars; one submission).

Conditions:
Inborn genetic diseases. Identifiers: MedGen C0950123, MeSH D030342.

gnomAD v4.1: 1 of 1,614,160 alleles (0.000062%); highest among the groups gnomAD compares: Admixed American, 0.0017%; no homozygotes.

Submission:

Ambry Genetics
Classification: Uncertain significance for Inborn genetic diseases. Last evaluated: 2025-11-16. Review status: criteria provided, single submitter. Criteria: Ambry Variant Classification Scheme 2023. Collection method: clinical testing. Allele origin: germline.
Comment: The p.Y233H variant (also known as c.697T>C), located in coding exon 5 of the ETV6 gene, results from a T to C substitution at nucleotide position 697. The tyrosine at codon 233 is replaced by histidine, an amino acid with similar properties. This amino acid position is conserved. In addition, the in silico prediction for this alteration is inconclusive. Based on the available evidence, the clinical significance of this variant remains unclear.